The following is an entry in ClinVar:

ClinVar aggregate classification (germline): Uncertain significance. Review status: criteria provided, multiple submitters, no conflicts (2 of 4 stars). 2 submissions from 2 submitters: Uncertain significance (2). Last evaluated 2023-06-16.

Conditions:
Tuberous sclerosis 2 (TSC2). Identifiers: Orphanet 805, MedGen C1860707, MONDO:0013199, OMIM 613254.
Hereditary cancer-predisposing syndrome. Also called: Hereditary neoplastic syndrome; Tumor predisposition; Neoplastic Syndromes, Hereditary; Hereditary Cancer Syndrome. Identifiers: Orphanet 140162, MedGen C0027672, MeSH D009386, MONDO:0015356.

Submissions (2):

Labcorp Genetics (formerly Invitae), Labcorp
Classification: Uncertain significance for Tuberous sclerosis 2. Last evaluated: 2023-06-16. Review status: criteria provided, single submitter. Criteria: Invitae Variant Classification Sherloc (09022015). Collection method: clinical testing. Allele origin: germline.
Comment: In summary, the available evidence is currently insufficient to determine the role of this variant in disease. Therefore, it has been classified as a Variant of Uncertain Significance. Advanced modeling of protein sequence and biophysical properties (such as structural, functional, and spatial information, amino acid conservation, physicochemical variation, residue mobility, and thermodynamic stability) performed at Invitae indicates that this missense variant is not expected to disrupt TSC2 protein function. This sequence change replaces alanine, which is neutral and non-polar, with proline, which is neutral and non-polar, at codon 460 of the TSC2 protein (p.Ala460Pro). This variant is not present in population databases (gnomAD no frequency). This variant has not been reported in the literature in individuals affected with TSC2-related conditions. ClinVar contains an entry for this variant (Variation ID: 2449951).

Ambry Genetics
Classification: Uncertain significance for Hereditary cancer-predisposing syndrome. Last evaluated: 2022-11-11. Review status: criteria provided, single submitter. Criteria: Ambry Variant Classification Scheme 2023. Collection method: clinical testing. Allele origin: germline.
Comment: The p.A460P variant (also known as c.1378G>C), located in coding exon 13 of the TSC2 gene, results from a G to C substitution at nucleotide position 1378. The alanine at codon 460 is replaced by proline, an amino acid with highly similar properties. This amino acid position is conserved. In addition, this alteration is predicted to be deleterious by in silico analysis. Since supporting evidence is limited at this time, the clinical significance of this alteration remains unclear.

NM_000548.5(TSC2):c.1378G>C (p.Ala460Pro)

Gene: TSC2 (TSC complex subunit 2; plus strand). Cytogenetic location: 16p13.3.
Variant type: single nucleotide variant.
Coding change: c.1378G>C on transcript NM_000548.5 (MANE Select); coding-DNA position 1378, G replaced by C.
Protein change: p.Ala460Pro; replaces alanine 460 with proline.
Molecular consequence: missense variant. On other transcripts: non-coding transcript variant (5), intron variant (1).
Genome position (GRCh38, 1-based): chr16:2,062,988, G>C. VCF-style: chr16-2062988-G-C. GRCh37 (hg19) VCF-style: chr16-2112989-G-C.
Other names: c.1378G>C, p.Ala460Pro (NM_001370404.1, NM_001370405.1, NM_001406663.1 and 6 more transcripts); c.1468G>C, p.Ala490Pro (NM_001406667.1, NM_001406668.1); c.1267G>C, p.Ala423Pro (NM_001406670.1, NM_001318827.2, NM_001406678.1); c.1366G>C, p.Ala456Pro (NM_001406671.1, NM_001406673.1); c.778G>C, p.Ala260Pro (NM_001406684.1, NM_001406685.1, NM_001406686.1 and 6 more transcripts); c.34G>C, p.Ala12Pro (NM_001406689.1, NM_001406690.1, NM_001406691.1 and 6 more transcripts); c.1231G>C, p.Ala411Pro (NM_001318829.2, NM_001406675.1, NM_001406676.1 and 1 more transcripts); c.1411G>C, p.Ala471Pro (NM_001318832.2); and 3 more; short protein forms A423P, A460P, A12P, A306P, A471P, A260P, A411P, A441P.
Identifiers: ClinVar variation 2449951 (VCV002449951.5), dbSNP rs137854154, ClinGen allele CA394323670.